The following is an entry in ClinVar:

ClinVar aggregate classification (germline): Uncertain significance. Review status: criteria provided, multiple submitters, no conflicts (2 of 4 stars). 2 submissions from 2 submitters: Uncertain significance (2). Last evaluated 2025-06-22.

Allele frequency attached by ClinVar (database versions not stated): gnomAD exomes below 0.00001; gnomAD 0.00001.

Submissions (2):

Ambry Genetics
Classification: Uncertain significance. Last evaluated: 2025-06-22. Review status: criteria provided, single submitter. Criteria: Ambry Variant Classification Scheme 2023. Collection method: clinical testing. Allele origin: germline.

Labcorp Genetics (formerly Invitae), Labcorp
Classification: Uncertain significance. Last evaluated: 2021-09-01. Review status: criteria provided, single submitter. Criteria: Invitae Variant Classification Sherloc (09022015). Collection method: clinical testing. Allele origin: germline.
Comment: This sequence change replaces arginine with serine at codon 590 of the SCLT1 protein (p.Arg590Ser). The arginine residue is highly conserved and there is a moderate physicochemical difference between arginine and serine. This variant is not present in population databases (ExAC no frequency). This variant has not been reported in the literature in individuals affected with SCLT1-related conditions. Algorithms developed to predict the effect of missense changes on protein structure and function are either unavailable or do not agree on the potential impact of this missense change (SIFT: "Deleterious"; PolyPhen-2: "Possibly Damaging"; Align-GVGD: "Class C15"). In summary, the available evidence is currently insufficient to determine the role of this variant in disease. Therefore, it has been classified as a Variant of Uncertain Significance.

NM_144643.4(SCLT1):c.1770G>C (p.Arg590Ser)

Gene: SCLT1 (sodium channel and clathrin linker 1; minus strand). Cytogenetic location: 4q28.2.
Variant type: single nucleotide variant.
Coding change: c.1770G>C on transcript NM_144643.4 (MANE Select); coding-DNA position 1770, G replaced by C.
Protein change: p.Arg590Ser; replaces arginine 590 with serine.
Molecular consequence: missense variant.
Genome position (GRCh38, 1-based): chr4:128,936,714, C>G on the plus strand (G>C on the coding strand, the complement: SCLT1 is on the minus strand). VCF-style: chr4-128936714-C-G. GRCh37 (hg19) VCF-style: chr4-129857869-C-G.
Other names: c.1770G>C (NM_144643.2); short protein forms R590S.
Identifiers: ClinVar variation 1400301 (VCV001400301.6), dbSNP rs1216929430, ClinGen allele CA358183582.
Genomic context (GRCh38, chr4:128,936,714, plus strand): 5'-CTTTAGATTATTGATTCTAATTTCTGCACTTTCAGTAAGTTTCTTCGTTTCTTCTTTCCA[C>G]CTATTGGCTGCCTTCTGTTGAGTCGCTAGGAGATGCCTCAGTTCAACAATGGAATTTCTA-3'
Protein context (NP_653244.2, residues 580-600): LLATQQKAAN[Arg590Ser]WKEETKKLTE